The following is an entry in ClinVar:

NM_005876.5(SPEG):c.1841C>G (p.Pro614Arg)

Gene: SPEG (striated muscle enriched protein kinase; plus strand). Cytogenetic location: 2q35.
Variant type: single nucleotide variant.
Coding change: c.1841C>G on transcript NM_005876.5 (MANE Select); coding-DNA position 1841, C replaced by G.
Protein change: p.Pro614Arg; replaces proline 614 with arginine.
Molecular consequence: missense variant.
Genome position (GRCh38, 1-based): chr2:219,448,999, C>G. VCF-style: chr2-219448999-C-G. GRCh37 (hg19) VCF-style: chr2-220313721-C-G.
Other names: c.1871C>G, p.Pro624Arg (NM_001438924.1); c.1664C>G, p.Pro555Arg (NM_001438925.1); c.1559C>G, p.Pro520Arg (NM_001438926.1, NM_001438929.1); c.1529C>G, p.Pro510Arg (NM_001438927.1); c.1382C>G, p.Pro461Arg (NM_001438928.1, NM_001438933.1); c.1352C>G, p.Pro451Arg (NM_001438930.1, NM_001438934.1); c.1502C>G, p.Pro501Arg (NM_001438931.1); c.1295C>G, p.Pro432Arg (NM_001438932.1); short protein forms P501R, P520R, P432R, P510R, P555R, P451R, P614R, P461R.
Identifiers: ClinVar variation 4693109 (VCV004693109.1).

ClinVar aggregate classification (germline): Uncertain significance (1 of 4 stars; one submission).

gnomAD v4.1: 11 of 1,482,724 alleles (0.00074%); highest among the groups gnomAD compares: African/African-American, 0.0089%; no homozygotes.

Submission:

Labcorp Genetics (formerly Invitae), Labcorp
Classification: Uncertain significance. Last evaluated: 2025-05-15. Review status: criteria provided, single submitter. Criteria: Invitae Variant Classification Sherloc (09022015). Collection method: clinical testing. Allele origin: germline.
Comment: This sequence change replaces proline, which is neutral and non-polar, with arginine, which is basic and polar, at codon 614 of the SPEG protein (p.Pro614Arg). This variant is present in population databases (rs546598705, gnomAD 0.02%). This variant has not been reported in the literature in individuals affected with SPEG-related conditions. An algorithm developed to predict the effect of missense changes on protein structure and function (PolyPhen-2) suggests that this variant is likely to be tolerated. In summary, the available evidence is currently insufficient to determine the role of this variant in disease. Therefore, it has been classified as a Variant of Uncertain Significance.